The following is an entry in ClinVar:

NM_182961.4(SYNE1):c.21903T>G (p.Phe7301Leu)

Gene: SYNE1 (spectrin repeat containing nuclear envelope protein 1; minus strand). Cytogenetic location: 6q25.2.
Variant type: single nucleotide variant.
Coding change: c.21903T>G on transcript NM_182961.4 (MANE Select); coding-DNA position 21903, T replaced by G.
Protein change: p.Phe7301Leu; replaces phenylalanine 7301 with leucine.
Molecular consequence: missense variant.
Genome position (GRCh38, 1-based): chr6:152,219,144, A>C on the plus strand (T>G on the coding strand, the complement: SYNE1 is on the minus strand). VCF-style: chr6-152219144-A-C. GRCh37 (hg19) VCF-style: chr6-152540279-A-C.
Other names: c.21690T>G, p.Phe7230Leu (NM_033071.5); c.21690T>G (NM_033071.3); short protein forms F7230L, F7301L.
Identifiers: ClinVar variation 448577 (VCV000448577.2), dbSNP rs1415687146, ClinGen allele CA366104139.

ClinVar aggregate classification (germline): Uncertain significance. Review status: criteria provided, multiple submitters, no conflicts (2 of 4 stars). 2 submissions from 2 submitters: Uncertain significance (2). Last evaluated 2024-09-15.

Allele frequency attached by ClinVar (database versions not stated): TOPMed 0.00002; gnomAD 0.00003.
gnomAD v4.1: 10 of 1,613,986 alleles (0.00062%); highest among the groups gnomAD compares: Non-Finnish European, 0.00085%; no homozygotes.

Submissions (2):

GeneDx
Classification: Uncertain significance. Last evaluated: 2024-09-15. Review status: criteria provided, single submitter. Criteria: GeneDx Variant Classification Process June 2021. Collection method: clinical testing. Allele origin: germline. Affected: yes.
Comment: Not observed at significant frequency in large population cohorts (gnomAD); In silico analysis indicates that this missense variant does not alter protein structure/function; Has not been previously published as pathogenic or benign to our knowledge

Athena Diagnostics
Classification: Uncertain significance. Last evaluated: 2016-11-21. Review status: criteria provided, single submitter. Criteria: Athena Diagnostics Criteria. Collection method: clinical testing. Allele origin: germline.